The following is an entry in ClinVar:

NM_020937.4(FANCM):c.2569G>C (p.Val857Leu)

Gene: FANCM (FA complementation group M; plus strand). Cytogenetic location: 14q21.2.
Variant type: single nucleotide variant.
Coding change: c.2569G>C on transcript NM_020937.4 (MANE Select); coding-DNA position 2569, G replaced by C.
Protein change: p.Val857Leu; replaces valine 857 with leucine.
Molecular consequence: missense variant.
Genome position (GRCh38, 1-based): chr14:45,175,323, G>C. VCF-style: chr14-45175323-G-C. GRCh37 (hg19) VCF-style: chr14-45644526-G-C.
Other names: c.2491G>C, p.Val831Leu (NM_001308133.2); short protein forms V831L, V857L.
Identifiers: ClinVar variation 4798000 (VCV004798000.1).

ClinVar aggregate classification (germline): Uncertain significance (1 of 4 stars; one submission).

Conditions:
Fanconi anemia (FA). Also called: Fanconi's anemia. Identifiers: Orphanet 84, MedGen C0015625, MeSH D005199, MONDO:0019391.

gnomAD v4.1: 5 of 1,561,292 alleles (0.00032%); highest among the groups gnomAD compares: East Asian, 0.0067%; no homozygotes.

Submission:

Labcorp Genetics (formerly Invitae), Labcorp
Classification: Uncertain significance for Fanconi anemia. Last evaluated: 2025-06-06. Review status: criteria provided, single submitter. Criteria: Invitae Variant Classification Sherloc (09022015). Collection method: clinical testing. Allele origin: germline.
Comment: This sequence change replaces valine, which is neutral and non-polar, with leucine, which is neutral and non-polar, at codon 857 of the FANCM protein (p.Val857Leu). The frequency data for this variant in the population databases is considered unreliable, as metrics indicate poor data quality at this position in the gnomAD database. This variant has not been reported in the literature in individuals affected with FANCM-related conditions. An algorithm developed to predict the effect of missense changes on protein structure and function (PolyPhen-2) suggests that this variant is likely to be tolerated. In summary, the available evidence is currently insufficient to determine the role of this variant in disease. Therefore, it has been classified as a Variant of Uncertain Significance.